The following is an entry in ClinVar:

NM_006767.4(LZTR1):c.1024T>C (p.Cys342Arg)

Gene: LZTR1 (leucine zipper like post translational regulator 1; plus strand). Cytogenetic location: 22q11.21.
Variant type: single nucleotide variant.
Coding change: c.1024T>C on transcript NM_006767.4 (MANE Select); coding-DNA position 1024, T replaced by C.
Protein change: p.Cys342Arg; replaces cysteine 342 with arginine.
Molecular consequence: missense variant.
Genome position (GRCh38, 1-based): chr22:20,992,244, T>C. VCF-style: chr22-20992244-T-C. GRCh37 (hg19) VCF-style: chr22-21346533-T-C.
Other names: short protein forms C342R.
Identifiers: ClinVar variation 3992807 (VCV003992807.1).

ClinVar aggregate classification (germline): Uncertain significance (1 of 4 stars; one submission).

Conditions:
Cardiovascular phenotype. Identifiers: MedGen CN230736.
Hereditary cancer-predisposing syndrome. Also called: Tumor predisposition; Hereditary neoplastic syndrome; Neoplastic Syndromes, Hereditary; Hereditary Cancer Syndrome. Identifiers: Orphanet 140162, MedGen C0027672, MeSH D009386, MONDO:0015356.

Submission:

Ambry Genetics
Classification: Uncertain significance for Cardiovascular phenotype; Hereditary cancer-predisposing syndrome. Last evaluated: 2025-05-05. Review status: criteria provided, single submitter. Criteria: Ambry Variant Classification Scheme 2023. Collection method: clinical testing. Allele origin: germline.
Comment: The p.C342R variant (also known as c.1024T>C), located in coding exon 10 of the LZTR1 gene, results from a T to C substitution at nucleotide position 1024. The cysteine at codon 342 is replaced by arginine, an amino acid with highly dissimilar properties. This amino acid position is conserved. In addition, this alteration is predicted to be tolerated by in silico analysis. Based on the available evidence, the clinical significance of this variant remains unclear.